The following is an entry in ClinVar:

NM_033100.4(CDHR1):c.928C>T (p.Gln310Ter)

Gene: CDHR1 (cadherin related family member 1; plus strand). Cytogenetic location: 10q23.1.
Variant type: single nucleotide variant.
Coding change: c.928C>T on transcript NM_033100.4 (MANE Select); coding-DNA position 928, C replaced by T.
Protein change: p.Gln310Ter; replaces glutamine 310 with a stop codon.
Molecular consequence: nonsense.
Genome position (GRCh38, 1-based): chr10:84,205,892, C>T. VCF-style: chr10-84205892-C-T. GRCh37 (hg19) VCF-style: chr10-85965648-C-T.
Other names: NM_001171971.3:c.928C>T; c.928C>T, p.Gln310Ter (NM_001171971.3); short protein forms Q310*.
Identifiers: ClinVar variation 1297147 (VCV001297147.4), dbSNP rs1842216995, ClinGen allele CA377373883.

ClinVar aggregate classification (germline): Likely pathogenic. Review status: criteria provided, single submitter (1 of 4 stars). 3 submissions from 2 submitters: Likely pathogenic (2). 1 of the submissions does not count toward it. Last evaluated 2022-05-04.

Conditions:
Macular dystrophy, retinal, 5. Identifiers: MedGen C5829994, MONDO:0700381.
Retinitis pigmentosa (RP). Identifiers: Orphanet 791, MedGen C0035334, MeSH D012174, MONDO:0019200, OMIM 268000. Inheritance: Autosomal dominant, autosomal recessive and X linked inheritance.
Cone-rod dystrophy 15 (CORD15). Identifiers: MedGen C3150912, MONDO:0013348, OMIM 613660.

Submissions (3):

Broad Center for Mendelian Genomics, Broad Institute of MIT and Harvard
Classification: Likely pathogenic for Cone-rod dystrophy 15. Last evaluated: 2022-05-04. Review status: criteria provided, single submitter. Criteria: ACMG Guidelines, 2015. Collection method: curation. Allele origin: germline. Inheritance: Autosomal recessive inheritance.
Comment: The variant has been reported in 1 individual of unknown ethnicity with cone-rod dystrophy 15 (PMID: 28765526), and was absent from large population studies. This nonsense variant leads to a premature termination codon at position 310, which is predicted to lead to a truncated or absent protein. Loss of function of the CDHR1 gene is a moderately established disease mechanism in autosomal recessive cone-rod dystrophy 15. In summary, although additional studies are required to fully establish its clinical significance, this variant is likely pathogenic. ACMG/AMP Criteria applied: PVS1_strong, PM2, PM3_supporting (Richards 2015).

Broad Center for Mendelian Genomics, Broad Institute of MIT and Harvard
Classification: Likely pathogenic for Retinitis pigmentosa. Last evaluated: 2021-04-01. Review status: criteria provided, single submitter. Criteria: ACMG Guidelines, 2015. Collection method: curation. Allele origin: germline. Inheritance: Autosomal recessive inheritance. Affected: yes.
Comment: Based on this evidence we have classified this variant as Likely Pathogenic. If you have any questions about the classification please reach out to the Pierce Lab.

OMIM
Classification: Pathogenic for MACULAR DYSTROPHY, RETINAL, 5. Last evaluated: 2023-03-30. Review status: no assertion criteria provided. Collection method: literature only. Allele origin: germline. Not counted in ClinVar's aggregate classification.

Literature cited by the submitters: PubMed 34906470 (cited by Broad Center for Mendelian Genomics, Broad Institute of MIT and Harvard); PubMed 28765526 (cited by OMIM).